The following is an entry in ClinVar:

ClinVar aggregate classification (germline): Uncertain significance. Review status: criteria provided, multiple submitters, no conflicts (2 of 4 stars). 4 submissions from 4 submitters: Uncertain significance (4). Last evaluated 2025-11-12.

Conditions:
OPA1-related disorder. Also called: OPA1-related condition; OPA1-related disorders.
Inborn genetic diseases. Identifiers: MedGen C0950123, MeSH D030342.

Allele frequency attached by ClinVar (database versions not stated): gnomAD exomes 0.00002 and 0.00003; TOPMed 0.00002; ExAC 0.00003; gnomAD 0.00003.
gnomAD v4.1: 43 of 1,613,792 alleles (0.0027%); highest among the groups gnomAD compares: Non-Finnish European, 0.0035%; no homozygotes.

Submissions (4):

Ambry Genetics
Classification: Uncertain significance for Inborn genetic diseases. Last evaluated: 2025-11-12. Review status: criteria provided, single submitter. Criteria: Ambry Variant Classification Scheme 2023. Collection method: clinical testing. Allele origin: germline.

GeneDx
Classification: Uncertain significance. Last evaluated: 2025-09-11. Review status: criteria provided, single submitter. Criteria: GeneDx Variant Classification Process June 2021. Collection method: clinical testing. Allele origin: germline. Affected: yes.
Comment: Not observed at significant frequency in large population cohorts (gnomAD); In silico analysis suggests that this missense variant does not alter protein structure/function; Has not been previously published as pathogenic or benign to our knowledge

PreventionGenetics, part of Exact Sciences
Classification: Uncertain significance for OPA1-related condition. Last evaluated: 2025-07-24. Review status: criteria provided, single submitter. Criteria: ACMG Guidelines, 2015. Collection method: clinical testing. Allele origin: germline.
Comment: The OPA1 c.2045G>A variant is predicted to result in the amino acid substitution p.Arg682Lys. To our knowledge, this variant has not been reported in the literature. This variant is also referred to as c.1880G>A (p.Arg627Lys) on alternate transcript NM_015560. This variant is reported in 0.0039% of alleles in individuals of European (Non-Finnish) descent in gnomAD. At this time, the clinical significance of this variant is uncertain due to the absence of conclusive functional and genetic evidence.

Labcorp Genetics (formerly Invitae), Labcorp
Classification: Uncertain significance. Last evaluated: 2025-06-27. Review status: criteria provided, single submitter. Criteria: Invitae Variant Classification Sherloc (09022015). Collection method: clinical testing. Allele origin: germline.
Comment: This sequence change replaces arginine, which is basic and polar, with lysine, which is basic and polar, at codon 627 of the OPA1 protein (p.Arg627Lys). This variant is present in population databases (rs772040791, gnomAD 0.004%). This variant has not been reported in the literature in individuals affected with OPA1-related conditions. ClinVar contains an entry for this variant (Variation ID: 419924). Invitae Evidence Modeling of protein sequence and biophysical properties (such as structural, functional, and spatial information, amino acid conservation, physicochemical variation, residue mobility, and thermodynamic stability) indicates that this missense variant is not expected to disrupt OPA1 protein function with a negative predictive value of 80%. In summary, the available evidence is currently insufficient to determine the role of this variant in disease. Therefore, it has been classified as a Variant of Uncertain Significance.

NM_130837.3(OPA1):c.2045G>A (p.Arg682Lys)

Gene: OPA1 (OPA1 mitochondrial dynamin like GTPase; plus strand). Cytogenetic location: 3q29.
Variant type: single nucleotide variant.
Coding change: c.2045G>A on transcript NM_130837.3 (MANE Select); coding-DNA position 2045, G replaced by A.
Protein change: p.Arg682Lys; replaces arginine 682 with lysine.
Molecular consequence: missense variant.
Genome position (GRCh38, 1-based): chr3:193,654,894, G>A. VCF-style: chr3-193654894-G-A. GRCh37 (hg19) VCF-style: chr3-193372683-G-A.
Other names: c.1511G>A, p.Arg504Lys (NM_001354663.2); c.1508G>A, p.Arg503Lys (NM_001354664.2); c.1880G>A, p.Arg627Lys (NM_015560.3); c.1772G>A, p.Arg591Lys (NM_130831.3); c.1826G>A, p.Arg609Lys (NM_130832.3); c.1883G>A, p.Arg628Lys (NM_130833.3); c.1934G>A, p.Arg645Lys (NM_130834.3); c.1937G>A, p.Arg646Lys (NM_130835.3); and 2 more; short protein forms R627K, R682K, R503K, R504K, R609K, R628K, R645K, R664K.
Identifiers: ClinVar variation 419924 (VCV000419924.6), dbSNP rs772040791, ClinGen allele CA2759576.